The following is an entry in ClinVar:

ClinVar aggregate classification (germline): Conflicting classifications of pathogenicity. Review status: criteria provided, conflicting classifications (1 of 4 stars). 2 submissions from 2 submitters: Uncertain significance (1); Likely benign (1). Last evaluated 2025-04-29.

Submissions (2):

Women's Health and Genetics/Laboratory Corporation of America, LabCorp
Classification: Uncertain significance. Last evaluated: 2025-04-29. Review status: criteria provided, single submitter. Criteria: LabCorp Variant Classification Summary - May 2015. Collection method: clinical testing. Allele origin: germline.
Comment: Variant summary: TCIRG1 c.807+8_807+31dup24 alters a nucleotide located at a position not widely known to affect splicing. Several computational tools predict a significant impact on normal splicing: Four predict the variant creates multiple cryptic 5' donor sites. However, these predictions have yet to be confirmed by functional studies. The variant was absent in 147606 control chromosomes. The available data on variant occurrences in the general population are insufficient to allow any conclusion about variant significance. To our knowledge, no occurrence of c.807+8_807+31dup24 in individuals affected with Osteopetrosis and no experimental evidence demonstrating its impact on protein function have been reported. ClinVar contains an entry for this variant (Variation ID: 1614537). Based on the evidence outlined above, the variant was classified as uncertain significance.

Labcorp Genetics (formerly Invitae), Labcorp
Classification: Likely benign. Last evaluated: 2021-11-04. Review status: criteria provided, single submitter. Criteria: Invitae Variant Classification Sherloc (09022015). Collection method: clinical testing. Allele origin: germline.

NM_006019.4(TCIRG1):c.807+8_807+31dup

Gene: TCIRG1 (T cell immune regulator 1, ATPase H+ transporting V0 subunit a3; plus strand). Cytogenetic location: 11q13.2.
Variant type: Duplication.
Coding change: c.807+8_807+31dup on transcript NM_006019.4 (MANE Select); bases 8 to 31 of the intron after coding-DNA position 807, 24 bases duplicated (CCCCCGGCCTTCCGGAGGCGGGTG).
Molecular consequence: intron variant.
Genome position (GRCh38, 1-based): chr11:68,043,915-68,043,938, CCCCCGGCCTTCCGGAGGCGGGTG duplicated; duplicating any 24 consecutive bases within chr11:68,043,910-68,043,938 gives the same sequence; the c. name uses the placement nearest the transcript's 3' end. VCF-style (leftmost placement, unchanged base first): chr11-68043909-T-TGGGTGCCCCCGGCCTTCCGGAGGC. GRCh37 (hg19) VCF-style: chr11-67811376-T-TGGGTGCCCCCGGCCTTCCGGAGGC.
Other names: c.807+8_807+31dup24 (NM_006019.4); c.-88+8_-88+31dup (NM_001351059.2); c.159+8_159+31dup (NM_006053.4).
Identifiers: ClinVar variation 1614537 (VCV001614537.11), dbSNP rs1554995901, ClinGen allele CA2573147503.